The following is an entry in ClinVar:

NM_019066.5(MAGEL2):c.1245CATCCGCCCTGGCCCACCACC[3] (p.Pro429_Val430insIleArgProGlyProProPro)

Gene: MAGEL2 (MAGE family member L2; minus strand). Cytogenetic location: 15q11.2.
Variant type: Microsatellite.
Coding change: c.1245CATCCGCCCTGGCCCACCACC[3] on transcript NM_019066.5 (MANE Select); three copies in a row of the 21-base unit CATCCGCCCTGGCCCACCACC starting at c.1245; the reference has two copies in a row; one copy, 21 bases duplicated.
Protein change: p.Pro429_Val430insIleArgProGlyProProPro.
Molecular consequence: inframe insertion.
Genome position (GRCh38, 1-based): chr15:23,646,457-23,646,477, GGTGGTGGGCCAGGGCGGATG duplicated on the plus strand (CATCCGCCCTGGCCCACCACC on the coding strand, the reverse complement: MAGEL2 is on the minus strand); duplicating any 21 consecutive bases within chr15:23,646,457-23,646,500 gives the same sequence; the position shown is the placement nearest the transcript's 3' end. VCF-style (leftmost placement, unchanged base first): chr15-23646456-C-CGGTGGTGGGCCAGGGCGGATG. GRCh37 (hg19) VCF-style: chr15-23891603-C-CGGTGGTGGGCCAGGGCGGATG.
Other names: c.1266_1286dup21 (NM_019066.4).
Identifiers: ClinVar variation 1696944 (VCV001696944.10), dbSNP rs977592809, ClinGen allele CA617084274.

ClinVar aggregate classification (germline): Uncertain significance. Review status: criteria provided, multiple submitters, no conflicts (2 of 4 stars). 3 submissions from 3 submitters: Uncertain significance (3). Last evaluated 2026-08-03.

Conditions:
MAGEL2-related disorder. Also called: MAGEL2-related condition.

Submissions (3):

PreventionGenetics, part of Exact Sciences
Classification: Uncertain significance for MAGEL2-related condition. Last evaluated: 2026-08-03. Review status: criteria provided, single submitter. Criteria: ACMG Guidelines, 2015. Collection method: clinical testing. Allele origin: germline.
Comment: The MAGEL2 c.1266_1286dup21 variant is predicted to result in an in-frame duplication (p.Ile423_Pro429dup). To our knowledge, this variant has not been reported in the literature. This variant is reported in 0.014% of alleles in individuals of East Asian descent in gnomAD. At this time, the clinical significance of this variant is uncertain due to the absence of conclusive functional and genetic evidence.

Labcorp Genetics (formerly Invitae), Labcorp
Classification: Uncertain significance. Last evaluated: 2026-01-05. Review status: criteria provided, single submitter. Criteria: Invitae Variant Classification Sherloc (09022015). Collection method: clinical testing. Allele origin: germline.
Comment: This variant, c.1266_1286dup, results in the insertion of 7 amino acid(s) of the MAGEL2 protein (p.Ile423_Pro429dup), but otherwise preserves the integrity of the reading frame. This variant is present in population databases (no rsID available, gnomAD 0.01%). This variant has not been reported in the literature in individuals affected with MAGEL2-related conditions. ClinVar contains an entry for this variant (Variation ID: 1696944). Experimental studies and prediction algorithms are not available or were not evaluated, and the functional significance of this variant is currently unknown. In summary, the available evidence is currently insufficient to determine the role of this variant in disease. Therefore, it has been classified as a Variant of Uncertain Significance.

GeneDx
Classification: Uncertain significance. Last evaluated: 2023-02-07. Review status: criteria provided, single submitter. Criteria: GeneDx Variant Classification Process June 2021. Collection method: clinical testing. Allele origin: germline. Affected: yes.
Comment: In-frame insertion of 7 amino acids in a repetitive region with no known function; Has not been previously published as pathogenic or benign to our knowledge